The following is an entry in ClinVar:

NM_001365951.3(KIF1B):c.3163G>A (p.Gly1055Ser)

Gene: KIF1B (kinesin family member 1B; plus strand). Cytogenetic location: 1p36.22.
Variant type: single nucleotide variant.
Coding change: c.3163G>A on transcript NM_001365951.3 (MANE Select); coding-DNA position 3163, G replaced by A.
Protein change: p.Gly1055Ser; replaces glycine 1055 with serine.
Molecular consequence: missense variant.
Genome position (GRCh38, 1-based): chr1:10,337,107, G>A. VCF-style: chr1-10337107-G-A. GRCh37 (hg19) VCF-style: chr1-10397165-G-A.
Other names: c.3163G>A, p.Gly1055Ser (NM_001365952.1); c.3025G>A, p.Gly1009Ser (NM_015074.3); short protein forms G1055S, G1009S.
Identifiers: ClinVar variation 4092343 (VCV004092343.1).

ClinVar aggregate classification (germline): Uncertain significance (1 of 4 stars; one submission).

Submission:

Ambry Genetics
Classification: Uncertain significance. Last evaluated: 2025-07-14. Review status: criteria provided, single submitter. Criteria: Ambry Variant Classification Scheme 2023. Collection method: clinical testing. Allele origin: germline.
Comment: The p.G1009S variant (also known as c.3025G>A), located in coding exon 27 of the KIF1B gene, results from a G to A substitution at nucleotide position 3025. The glycine at codon 1009 is replaced by serine, an amino acid with similar properties. This amino acid position is conserved. In addition, the in silico prediction for this alteration is inconclusive. Based on the available evidence, the clinical significance of this variant remains unclear.